The following is an entry in ClinVar:

NM_033305.3(VPS13A):c.2149C>T (p.Gln717Ter)

Gene: VPS13A (vacuolar protein sorting 13 homolog A; plus strand). Cytogenetic location: 9q21.2.
Variant type: single nucleotide variant.
Coding change: c.2149C>T on transcript NM_033305.3 (MANE Select); coding-DNA position 2149, C replaced by T.
Protein change: p.Gln717Ter; replaces glutamine 717 with a stop codon.
Molecular consequence: nonsense.
Genome position (GRCh38, 1-based): chr9:77,250,208, C>T. VCF-style: chr9-77250208-C-T. GRCh37 (hg19) VCF-style: chr9-79865124-C-T.
Other names: c.2149C>T, p.Gln717Ter (NM_001018037.2, NM_001018038.3, NM_015186.4); short protein forms Q717*.
Identifiers: ClinVar variation 852695 (VCV000852695.7), dbSNP rs1825075709, ClinGen allele CA373849979.
Genomic context (GRCh38, chr9:77,250,208, plus strand): 5'-AATCTTAAAGAGATAATGGATAGAGCTTATGATTCATTTGATATTCAACTTACAAGTGTA[C>T]AGCTGCTTTACAGTAGAGTTGGTGAGTATAAAATGCATTATTTGTTGATTGATTTTGTTG-3'

ClinVar aggregate classification (germline): Pathogenic (1 of 4 stars; one submission).

Allele frequency attached by ClinVar (database versions not stated): gnomAD 0.00001.

Submission:

Labcorp Genetics (formerly Invitae), Labcorp
Classification: Pathogenic. Last evaluated: 2022-02-04. Review status: criteria provided, single submitter. Criteria: Invitae Variant Classification Sherloc (09022015). Collection method: clinical testing. Allele origin: germline.
Comment: For these reasons, this variant has been classified as Pathogenic. ClinVar contains an entry for this variant (Variation ID: 852695). This variant has not been reported in the literature in individuals affected with VPS13A-related conditions. This variant is not present in population databases (gnomAD no frequency). This sequence change creates a premature translational stop signal (p.Gln717*) in the VPS13A gene. It is expected to result in an absent or disrupted protein product. Loss-of-function variants in VPS13A are known to be pathogenic (PMID: 12404112, 21598378).

Literature cited by the submitters: PubMed 12404112; PubMed 21598378.